The following is an entry in ClinVar:

ClinVar aggregate classification (germline): Uncertain significance. Review status: criteria provided, multiple submitters, no conflicts (2 of 4 stars). 2 submissions from 2 submitters: Uncertain significance (2). Last evaluated 2024-07-30.

Conditions:
Inborn genetic diseases. Identifiers: MedGen C0950123, MeSH D030342.

Allele frequency attached by ClinVar (database versions not stated): gnomAD 0.00003; TOPMed 0.00004.
gnomAD v4.1: 23 of 1,609,772 alleles (0.0014%); highest among the groups gnomAD compares: Middle Eastern, 0.049%; no homozygotes.

Submissions (2):

Ambry Genetics
Classification: Uncertain significance for Inborn genetic diseases. Last evaluated: 2024-07-30. Review status: criteria provided, single submitter. Criteria: Ambry Variant Classification Scheme 2023. Collection method: clinical testing. Allele origin: germline.

Labcorp Genetics (formerly Invitae), Labcorp
Classification: Uncertain significance. Last evaluated: 2022-10-20. Review status: criteria provided, single submitter. Criteria: Invitae Variant Classification Sherloc (09022015). Collection method: clinical testing. Allele origin: germline.
Comment: This sequence change replaces leucine, which is neutral and non-polar, with phenylalanine, which is neutral and non-polar, at codon 171 of the NDUFAF5 protein (p.Leu171Phe). This variant is present in population databases (no rsID available, gnomAD 0.007%). This variant has not been reported in the literature in individuals affected with NDUFAF5-related conditions. Advanced modeling of protein sequence and biophysical properties (such as structural, functional, and spatial information, amino acid conservation, physicochemical variation, residue mobility, and thermodynamic stability) performed at Invitae indicates that this missense variant is not expected to disrupt NDUFAF5 protein function. In summary, the available evidence is currently insufficient to determine the role of this variant in disease. Therefore, it has been classified as a Variant of Uncertain Significance.

NM_024120.5(NDUFAF5):c.511C>T (p.Leu171Phe)

Gene: NDUFAF5 (NADH:ubiquinone oxidoreductase complex assembly factor 5; plus strand). Cytogenetic location: 20p12.1.
Variant type: single nucleotide variant.
Coding change: c.511C>T on transcript NM_024120.5 (MANE Select); coding-DNA position 511, C replaced by T.
Protein change: p.Leu171Phe; replaces leucine 171 with phenylalanine.
Molecular consequence: missense variant. On other transcripts: 5 prime UTR variant (2), non-coding transcript variant (7).
Genome position (GRCh38, 1-based): chr20:13,798,492, C>T. VCF-style: chr20-13798492-C-T. GRCh37 (hg19) VCF-style: chr20-13779138-C-T.
Other names: c.427C>T, p.Leu143Phe (NM_001039375.3); c.40C>T, p.Leu14Phe (NM_001352403.2); c.-51C>T (NM_001352406.2, NM_001352407.2); c.511C>T, p.Leu171Phe (NM_001352408.2); c.511C>T (NM_024120.4); short protein forms L14F, L171F, L143F.
Identifiers: ClinVar variation 2176562 (VCV002176562.2), dbSNP rs995639587, ClinGen allele CA311384247.